The following is an entry in ClinVar:

ClinVar aggregate classification (germline): Pathogenic. Review status: criteria provided, multiple submitters, no conflicts (2 of 4 stars). 3 submissions from 3 submitters: Pathogenic (2). 1 of the submissions does not count toward it. Last evaluated 2026-10-17.

Conditions:
Pyruvate dehydrogenase E1-alpha deficiency (PDHAD). Also called: ATAXIA, INTERMITTENT, WITH PYRUVATE DEHYDROGENASE DEFICIENCY; ATAXIA WITH LACTIC ACIDOSIS I; ATAXIA, INTERMITTENT, WITH ABNORMAL PYRUVATE METABOLISM; Ataxia, intermittent, with pyruvate dehydrogenase, or decarboxylase, deficiency. Identifiers: Orphanet 79243, MedGen C1839413, MONDO:0010717, OMIM 312170.

Submissions (3):

GeneDx
Classification: Pathogenic. Last evaluated: 2026-10-17. Review status: criteria provided, single submitter. Criteria: GeneDx Variant Classification Process June 2021. Collection method: clinical testing. Allele origin: germline.
Comment: Frameshift variant predicted to result in protein truncation or nonsense mediated decay in a gene for which loss of function is a known mechanism of disease; Not observed at significant frequency in large population cohorts (gnomAD); This variant is associated with the following publications: (PMID: 33057194, 35982159, 32960281, 38693247)

Labcorp Genetics (formerly Invitae), Labcorp
Classification: Pathogenic for Pyruvate dehydrogenase E1-alpha deficiency. Last evaluated: 2019-07-09. Review status: criteria provided, single submitter. Criteria: Invitae Variant Classification Sherloc (09022015). Collection method: clinical testing. Allele origin: germline.
Comment: This sequence change creates a premature translational stop signal (p.Ser314Lysfs*3) in the PDHA1 gene. It is expected to result in an absent or disrupted protein product. This variant is not present in population databases (ExAC no frequency). This variant has not been reported in the literature in individuals with PDHA1-related conditions. ClinVar contains an entry for this variant (Variation ID: 214945). Loss-of-function variants in PDHA1 are known to be pathogenic (PMID: 10679936, 21914562). For these reasons, this variant has been classified as Pathogenic.

PDHA1 Study Group, University Children’s Hospital, Paracelsus Medical University
Classification: Pathogenic for Pyruvate dehydrogenase E1-alpha deficiency. Last evaluated: 2024-10-15. Review status: no assertion criteria provided. Collection method: research. Allele origin: germline. Affected: yes. Observed: 1 variant allele. Not counted in ClinVar's aggregate classification.
Comment: The NM_000284.3:c.937_940dup (p.Ser314LysfsTer3) change is a frameshift variant in PDHA1 gene. This variant is predicted to result in nonsense-mediated decay (NMD). Last literature search: July 12, 2024. This variant is absent or extremely rare in population-based cohorts in the Genome Aggregation Database (gnomAD). Individuals harboring this variant presented with clinical features compatible with PDHA1-related PDHc deficiency. In summary, this variant meets criteria to be classified as pathogenic (P) for PDHA1-related PDHc deficiency based on the ACMG/AMP criteria applied: PVS1, PM2 (last assessment October 15, 2024).

Literature cited by the submitters: PubMed 10679936 (cited by Labcorp Genetics (formerly Invitae), Labcorp); PubMed 21914562 (cited by Labcorp Genetics (formerly Invitae), Labcorp); DOI 10.1093/brain/awaf430 (cited by PDHA1 Study Group, University Children’s Hospital, Paracelsus Medical University).

NM_000284.4(PDHA1):c.937_940dup (p.Ser314fs)

Gene: PDHA1 (pyruvate dehydrogenase E1 subunit alpha 1; plus strand). Cytogenetic location: Xp22.12.
Variant type: Duplication.
Coding change: c.937_940dup on transcript NM_000284.4 (MANE Select); coding-DNA positions 937 to 940, 4 bases duplicated (AAGA; older notation c.937_940dupAAGA).
Protein change: p.Ser314fs; shifts the reading frame from serine 314.
Molecular consequence: frameshift variant.
Genome position (GRCh38, 1-based): chrX:19,358,953-19,358,956, AAGA duplicated. VCF-style (leftmost placement, unchanged base first): chrX-19358952-T-TAAGA. GRCh37 (hg19) VCF-style: chrX-19377070-T-TAAGA.
Other names: c.937_940dup (NM_000284.3); c.1051_1054dup, p.Ser352fs (NM_001173454.2); c.958_961dup, p.Ser321fs (NM_001173455.2); c.844_847dup, p.Ser283fs (NM_001173456.2); short protein forms S352fs, S283fs, S314fs, S321fs.
Identifiers: ClinVar variation 214945 (VCV000214945.10), dbSNP rs137853251, ClinGen allele CA320449.